The following is an entry in ClinVar:

ClinVar aggregate classification (germline): Likely benign. Review status: criteria provided, multiple submitters, no conflicts (2 of 4 stars). 4 submissions from 4 submitters: Likely benign (4). Last evaluated 2026-01-16.

Conditions:
Cardiomyopathy (CMYO). Also called: Cardiomyopathies. Identifiers: Orphanet 167848, MedGen C0878544, MONDO:0004994, HP:0001638. Inheritance: Various modes of inheritance.
Hypertrophic cardiomyopathy. Also called: HYPERTROPHIC MYOCARDIOPATHY. Identifiers: Orphanet 217569, MedGen C0007194, MeSH D002312, MONDO:0005045, HP:0001639.

Allele frequency attached by ClinVar (database versions not stated): gnomAD exomes below 0.00001; gnomAD 0.00001.
gnomAD v4.1: 3 of 1,614,100 alleles (0.00019%); highest among the groups gnomAD compares: Non-Finnish European, 0.00025%; no homozygotes.

Submissions (4):

Labcorp Genetics (formerly Invitae), Labcorp
Classification: Likely benign for Hypertrophic cardiomyopathy. Last evaluated: 2026-01-16. Review status: criteria provided, single submitter. Criteria: Invitae Variant Classification Sherloc (09022015). Collection method: clinical testing. Allele origin: germline.

All of Us Research Program, National Institutes of Health
Classification: Likely benign for Cardiomyopathy. Last evaluated: 2023-07-10. Review status: criteria provided, single submitter. Criteria: ACMG Guidelines, 2015. Collection method: clinical testing. Allele origin: germline. Inheritance: Autosomal dominant inheritance. Observed: 1 variant allele, 1 heterozygote.
Comment: This study involves interpretation of variants in research participants for the purpose of population health screening. Participant phenotype was not available at the time of variant classification. Additional details can be found in publication PMID: 35346344, PMCID: PMC8962531

Color Diagnostics, LLC DBA Color Health
Classification: Likely benign for Cardiomyopathy. Last evaluated: 2022-11-07. Review status: criteria provided, single submitter. Criteria: ACMG Guidelines, 2015. Collection method: clinical testing. Allele origin: germline.

GeneDx
Classification: Likely benign. Last evaluated: 2016-11-29. Review status: criteria provided, single submitter. Criteria: GeneDx Variant Classification (06012015). Collection method: clinical testing. Allele origin: germline. Affected: yes.
Comment: This variant is considered likely benign or benign based on one or more of the following criteria: it is a conservative change, it occurs at a poorly conserved position in the protein, it is predicted to be benign by multiple in silico algorithms, and/or has population frequency not consistent with disease.

NM_000257.4(MYH7):c.1569C>A (p.Leu523=)

Gene: MYH7 (myosin heavy chain 7; minus strand). Cytogenetic location: 14q11.2.
Variant type: single nucleotide variant.
Coding change: c.1569C>A on transcript NM_000257.4 (MANE Select); coding-DNA position 1569, C replaced by A.
Protein change: p.Leu523=; no amino-acid change (leucine 523 retained).
Molecular consequence: synonymous variant.
Genome position (GRCh38, 1-based): chr14:23,428,509, G>T on the plus strand (C>A on the coding strand, the complement: MYH7 is on the minus strand). VCF-style: chr14-23428509-G-T. GRCh37 (hg19) VCF-style: chr14-23897718-G-T.
Other names: c.1569C>A (LRG_384t1).
Identifiers: ClinVar variation 378211 (VCV000378211.10), dbSNP rs1057520331, ClinGen allele CA16606538.
Genomic context (GRCh38, chr14:23,428,509, plus strand): 5'-GTTCTTGTTGGGTGTGCAGGGAGAATTCAGGTGGTAAGGCCAAAGAGGCACCTTCTCGAT[G>T]AGGTCAATGCAGGCCTGCAGGTCCATGCCAAAGTCAATGAATGTCCACTCGATGCCCTCC-3'
Protein context (NP_000248.2, residues 513-533): FGMDLQACID[Leu523=]IEKPMGIMSI